The following is an entry in ClinVar:

NM_002471.4(MYH6):c.800-5C>T

Gene: MYH6 (myosin heavy chain 6; minus strand). Cytogenetic location: 14q11.2.
Variant type: single nucleotide variant.
Coding change: c.800-5C>T on transcript NM_002471.4 (MANE Select); 5 bases into the intron before coding-DNA position 800, C replaced by T.
Molecular consequence: intron variant.
Genome position (GRCh38, 1-based): chr14:23,403,451, G>A on the plus strand (C>T on the coding strand, the complement: MYH6 is on the minus strand). VCF-style: chr14-23403451-G-A. GRCh37 (hg19) VCF-style: chr14-23872660-G-A.
Identifiers: ClinVar variation 179928 (VCV000179928.21), dbSNP rs727505228, ClinGen allele CA185449.

ClinVar aggregate classification (germline): Benign/Likely benign. Review status: criteria provided, multiple submitters, no conflicts (2 of 4 stars). 7 submissions from 7 submitters: Benign (1); Likely benign (6). Last evaluated 2025-07-28.

Conditions:
Cardiovascular phenotype. Identifiers: MedGen CN230736.
Hypertrophic cardiomyopathy 1 (CMH1). Also called: Familial hypertrophic cardiomyopathy 1; MYH7-Related Familial Hypertrophic Cardiomyopathy. Identifiers: MedGen C3495498, MONDO:0008647, OMIM 192600.
Hypertrophic cardiomyopathy 14. Identifiers: MedGen C2750467, MONDO:0013197, OMIM 613251.
Sick sinus syndrome 3, susceptibility to (SSS3). Identifiers: Orphanet 166282, MedGen C3279791, MONDO:0013568, OMIM 614090.
Atrial septal defect 3 (ASD3). Identifiers: Orphanet 1478, MedGen C3279790, MONDO:0013567, OMIM 614089.
Dilated cardiomyopathy 1EE (CMD1EE). Identifiers: Orphanet 154, MedGen C2750466, MONDO:0013198, OMIM 613252.

Allele frequency attached by ClinVar (database versions not stated): gnomAD 0.00001; TOPMed 0.00002; gnomAD exomes 0.00006; ExAC 0.00008.
gnomAD v4.1: 54 of 1,612,386 alleles (0.0033%); highest among the groups gnomAD compares: East Asian, 0.062%; no homozygotes.

Submissions (7):

Labcorp Genetics (formerly Invitae), Labcorp
Classification: Likely benign for Hypertrophic cardiomyopathy 14. Last evaluated: 2025-07-28. Review status: criteria provided, single submitter. Criteria: Invitae Variant Classification Sherloc (09022015). Collection method: clinical testing. Allele origin: germline.

Women's Health and Genetics/Laboratory Corporation of America, LabCorp
Classification: Benign. Last evaluated: 2025-07-24. Review status: criteria provided, single submitter. Criteria: LabCorp Variant Classification Summary - May 2015. Collection method: clinical testing. Allele origin: germline.

Blueprint Genetics
Classification: Likely benign. Last evaluated: 2024-06-12. Review status: criteria provided, single submitter. Criteria: ACMG Guidelines, 2015. Collection method: clinical testing. Allele origin: germline.

Fulgent Genetics
Classification: Likely benign for Hypertrophic cardiomyopathy 1; Hypertrophic cardiomyopathy 14; Dilated cardiomyopathy 1EE; Atrial septal defect 3; Sick sinus syndrome 3, susceptibility to. Last evaluated: 2021-07-16. Review status: criteria provided, single submitter. Criteria: ACMG Guidelines, 2015. Collection method: clinical testing. Allele origin: unknown.

Ambry Genetics
Classification: Likely benign for Cardiovascular phenotype. Last evaluated: 2020-01-09. Review status: criteria provided, single submitter. Criteria: Ambry Variant Classification Scheme 2023. Collection method: clinical testing. Allele origin: germline.

GeneDx
Classification: Likely benign. Last evaluated: 2018-10-25. Review status: criteria provided, single submitter. Criteria: GeneDx Variant Classification Process June 2021. Collection method: clinical testing. Allele origin: germline. Affected: yes.

Laboratory for Molecular Medicine, Mass General Brigham Personalized Medicine
Classification: Likely benign. Last evaluated: 2014-08-07. Review status: criteria provided, single submitter. Criteria: LMM Criteria. Collection method: clinical testing. Allele origin: germline. Observed: 1 variant allele.
Comment: 800-5C>T in intron 9 of MYH6: This variant is not expected to have clinical sign ificance because a C>T change at this position does not diverge from the splice consensus sequence and is therefore unlikely to impact splicing.